The following is an entry in ClinVar:

ClinVar aggregate classification (germline): Uncertain significance (1 of 4 stars; one submission).

Submission:

Labcorp Genetics (formerly Invitae), Labcorp
Classification: Uncertain significance. Last evaluated: 2024-11-18. Review status: criteria provided, single submitter. Criteria: Invitae Variant Classification Sherloc (09022015). Collection method: clinical testing. Allele origin: germline.
Comment: This sequence change falls in intron 2 of the NAA10 gene. It does not directly change the encoded amino acid sequence of the NAA10 protein. This variant is not present in population databases (gnomAD no frequency). This variant has not been reported in the literature in individuals affected with NAA10-related conditions. Algorithms developed to predict the effect of sequence changes on RNA splicing suggest that this variant may disrupt the consensus splice site. In summary, the available evidence is currently insufficient to determine the role of this variant in disease. Therefore, it has been classified as a Variant of Uncertain Significance.

NM_003491.4(NAA10):c.121-15T>A

Gene: NAA10 (N-alpha-acetyltransferase 10, NatA catalytic subunit; minus strand). Cytogenetic location: Xq28.
Variant type: single nucleotide variant.
Coding change: c.121-15T>A on transcript NM_003491.4 (MANE Select); 15 bases into the intron before coding-DNA position 121, T replaced by A.
Molecular consequence: intron variant.
Genome position (GRCh38, 1-based): chrX:153,934,016, A>T on the plus strand (T>A on the coding strand, the complement: NAA10 is on the minus strand). VCF-style: chrX-153934016-A-T. GRCh37 (hg19) VCF-style: chrX-153199469-A-T.
Other names: c.121-15T>A (NM_001256120.2, NM_001256119.2).
Identifiers: ClinVar variation 3684890 (VCV003684890.2).